The following is an entry in ClinVar:

ClinVar aggregate classification (germline): Uncertain significance. Review status: criteria provided, multiple submitters, no conflicts (2 of 4 stars). 3 submissions from 3 submitters: Uncertain significance (2). 1 of the submissions does not count toward it. Last evaluated 2025-10-21.

Conditions:
Malignant hyperthermia, susceptibility to, 1 (MHS1). Also called: Anesthesia related hyperthermia; Malignant hyperpyrexia; Fulminating hyperpyrexia; Pharmacogenic myopathy; RYR1-Related Malignant Hyperthermia Susceptibility; Malignant hyperthermia suceptibility 1. Identifiers: Orphanet 423, MedGen C2930980, MONDO:0007783, OMIM 145600.
RYR1-related disorder. Also called: RYR1-related disorders; RYR1-related condition. Identifiers: MedGen CN239331.

Submissions (3):

Color Diagnostics, LLC DBA Color Health
Classification: Uncertain significance for Malignant hyperthermia, susceptibility to, 1. Last evaluated: 2025-10-21. Review status: criteria provided, single submitter. Criteria: ACMG Guidelines, 2015. Collection method: clinical testing. Allele origin: germline.
Comment: This variant results in a duplication of 6 amino acids in the RYR1 protein. To our knowledge, functional studies have not been reported for this variant. This variant has not been reported in individuals affected with RYR1-related disorders in the literature. This variant has not been identified in the general population by the Genome Aggregation Database (gnomAD). The available evidence is insufficient to determine the role of this variant in disease conclusively. Therefore, this variant is classified as a Variant of Uncertain Significance.

All of Us Research Program, National Institutes of Health
Classification: Uncertain significance for Malignant hyperthermia, susceptibility to, 1. Last evaluated: 2024-03-05. Review status: criteria provided, single submitter. Criteria: ACMG Guidelines, 2015. Collection method: clinical testing. Allele origin: germline. Inheritance: Autosomal dominant inheritance. Observed: 3 variant alleles, 3 heterozygotes.
Comment: This study involves interpretation of variants in research participants for the purpose of population health screening. Participant phenotype was not available at the time of variant classification. Additional details can be found in publication PMID: 35346344, PMCID: PMC8962531

PreventionGenetics, part of Exact Sciences
Classification: Uncertain significance for RYR1-related condition. Last evaluated: 2024-02-09. Review status: no assertion criteria provided. Collection method: clinical testing. Allele origin: germline. Not counted in ClinVar's aggregate classification.
Comment: The RYR1 c.13470_13487dup18 variant is predicted to result in an in-frame duplication (p.Pro4493_Glu4498dup). To our knowledge, this variant has not been reported in the literature or in a large population database, indicating this variant is rare. At this time, the clinical significance of this variant is uncertain due to the absence of conclusive functional and genetic evidence.

NM_000540.3(RYR1):c.13470_13487dup (p.Glu4498_Leu4499insProGluProGluProGlu)

Gene: RYR1 (ryanodine receptor 1; plus strand). Cytogenetic location: 19q13.2.
Variant type: Duplication.
Coding change: c.13470_13487dup on transcript NM_000540.3 (MANE Select); coding-DNA positions 13470 to 13487, 18 bases duplicated (GCCAGAGCCCGAGCCGGA).
Protein change: p.Glu4498_Leu4499insProGluProGluProGlu.
Molecular consequence: inframe indel (on NM_000540.2).
Genome position (GRCh38, 1-based): chr19:38,566,943-38,566,960, GCCAGAGCCCGAGCCGGA duplicated; duplicating any 18 consecutive bases within chr19:38,566,941-38,566,960 gives the same sequence; the c. name uses the placement nearest the transcript's 3' end. VCF-style (leftmost placement, unchanged base first): chr19-38566940-A-AGAGCCAGAGCCCGAGCCG. GRCh37 (hg19) VCF-style: chr19-39057580-A-AGAGCCAGAGCCCGAGCCG.
Other names: c.13455_13472dup, p.Glu4493_Leu4494insProGluProGluProGlu (NM_001042723.2); c.13470_13487dup18 (NM_000540.2).
Identifiers: ClinVar variation 3042362 (VCV003042362.5), dbSNP rs2514689697, ClinGen allele CA2509198624.